The following is an entry in ClinVar:

ClinVar aggregate classification (germline): Uncertain significance (1 of 4 stars; one submission).

Conditions:
Inborn genetic diseases. Identifiers: MedGen C0950123, MeSH D030342.

Submission:

Ambry Genetics
Classification: Uncertain significance for Inborn genetic diseases. Last evaluated: 2025-03-21. Review status: criteria provided, single submitter. Criteria: Ambry Variant Classification Scheme 2023. Collection method: clinical testing. Allele origin: germline.
Comment: The c.6300G>C (p.K2100N) alteration is located in exon 22 (coding exon 21) of the NSD1 gene. This alteration results from a G to C substitution at nucleotide position 6300, causing the lysine (K) at amino acid position 2100 to be replaced by an asparagine (N). This variant was not reported in population-based cohorts in the Genome Aggregation Database (gnomAD). This amino acid position is highly conserved in available vertebrate species. This missense alteration is located in a region that has a low rate of benign missense variation (Lek, 2016; Firth, 2009). This alteration is predicted to be tolerated by in silico analysis. Based on insufficient or conflicting evidence, the clinical significance of this alteration remains unclear.

NM_022455.5(NSD1):c.6300G>C (p.Lys2100Asn)

Gene: NSD1 (nuclear receptor binding SET domain protein 1; plus strand). Cytogenetic location: 5q35.3.
Variant type: single nucleotide variant.
Coding change: c.6300G>C on transcript NM_022455.5 (MANE Select); coding-DNA position 6300, G replaced by C.
Protein change: p.Lys2100Asn; replaces lysine 2100 with asparagine.
Molecular consequence: missense variant.
Genome position (GRCh38, 1-based): chr5:177,291,995, G>C. VCF-style: chr5-177291995-G-C. GRCh37 (hg19) VCF-style: chr5-176718996-G-C.
Other names: c.5427G>C, p.Lys1809Asn (NM_001365684.2, NM_001409308.1, NM_172349.5); c.6300G>C, p.Lys2100Asn (NM_001409301.1, NM_001409302.1, NM_001409303.1); c.5880G>C, p.Lys1960Asn (NM_001409304.1); c.5547G>C, p.Lys1849Asn (NM_001409305.1); c.5538G>C, p.Lys1846Asn (NM_001409306.1, NM_001409307.1); c.5178G>C, p.Lys1726Asn (NM_001409309.1); short protein forms K1726N, K1809N, K1960N, K2100N, K1849N, K1846N.
Identifiers: ClinVar variation 3881151 (VCV003881151.2).
Genomic context (GRCh38, chr5:177,291,995, plus strand): 5'-TTCAATATCTGACCTGTAGAATCAACCCATTGCCACGGAAGAAAAGTCAAAGAAATTCAA[G>C]AAGAAGCAACAGGGAAAGCGCAGGACCCAGGGTGAAATCACAAAGGAGCGAGAAGATGAG-3'
Protein context (NP_071900.2, residues 2090-2110): IATEEKSKKF[Lys2100Asn]KKQQGKRRTQ